The following is an entry in ClinVar:

NM_007294.4(BRCA1):c.3254_3255dup (p.Leu1086fs)

Genes: BRCA1 (BRCA1 DNA repair associated; minus strand), LOC126862571 (BRD4-independent group 4 enhancer GRCh37_chr17:41243136-41244335; plus strand). Cytogenetic location: 17q21.31.
Variant type: Duplication.
Coding change: c.3254_3255dup on transcript NM_007294.4 (MANE Select); coding-DNA positions 3254 to 3255, 2 bases duplicated (GA; older notation c.3254_3255dupGA).
Protein change: p.Leu1086fs; shifts the reading frame from leucine 1086.
Molecular consequence: frameshift variant. On other transcripts: intron variant (137).
Genome position (GRCh38, 1-based): chr17:43,092,276-43,092,277, TC duplicated on the plus strand (GA on the coding strand, the reverse complement: BRCA1 is on the minus strand); duplicating any 2 consecutive bases within chr17:43,092,276-43,092,278 gives the same sequence; the c. name uses the placement nearest the transcript's 3' end. VCF-style (leftmost placement, unchanged base first): chr17-43092275-A-ATC. GRCh37 (hg19) VCF-style: chr17-41244292-A-ATC.
Other names: 3374_3375insGA; 3374insGA; c.3254_3255dupGA (NM_007294.3); c.3254_3255dup, p.Leu1086fs (NM_001407594.1, NM_001407596.1, NM_001407597.1 and 30 more transcripts); c.3251_3252dup, p.Leu1085fs (NM_001407610.1, NM_001407611.1, NM_001407612.1 and 22 more transcripts); c.3245_3246dup, p.Leu1083fs (NM_001407646.1, NM_001407647.1); c.3131_3132dup, p.Leu1045fs (NM_001407648.1, NM_001407664.1, NM_001407665.1 and 19 more transcripts); c.3128_3129dup, p.Leu1044fs (NM_001407649.1, NM_001407670.1, NM_001407671.1 and 11 more transcripts); and 44 more; short protein forms L1086fs, L1039fs, L1015fs, L1018fs, L1038fs, L1083fs, L974fs, L997fs.
Identifiers: ClinVar variation 54806 (VCV000054806.25), dbSNP rs80357624, ClinGen allele CA002103.
Genomic context (GRCh38, chr17:43,092,275, plus strand): 5'-GATGCTTACAATTACTTCCAGGAAGACTTTGTTTATAGACCTCAGGTTGCAAAACCCCTA[A>ATC]TCTAAGCATAGCATTCAATTTTGGCCCTCTGTTTCTACCTAGTTCTGCTTGAATGTTTTC-3'

ClinVar aggregate classification (germline): Pathogenic. Review status: reviewed by expert panel (3 of 4 stars). 12 submissions from 12 submitters: Pathogenic (1). 11 of the submissions do not count toward it. Last evaluated 2016-04-22.

Conditions:
Hereditary cancer-predisposing syndrome. Also called: Tumor predisposition; Neoplastic Syndromes, Hereditary; Hereditary Cancer Syndrome; Hereditary neoplastic syndrome. Identifiers: Orphanet 140162, MedGen C0027672, MeSH D009386, MONDO:0015356.
Hereditary breast ovarian cancer syndrome. Also called: Hereditary breast and ovarian cancer syndrome (HBOC); Hereditary breast and ovarian cancer syndrome; Hereditary breast and ovarian cancer; Hereditary breast and/or ovarian cancer syndrome; Breast and ovarian cancer; BRCA1- and BRCA2-Associated Hereditary Breast and Ovarian Cancer. Identifiers: Orphanet 145, MedGen C0677776, MeSH D061325, MONDO:0003582. Disease mechanism: loss of function.
Breast-ovarian cancer, familial, susceptibility to, 1 (BROVCA1). Also called: OVARIAN CANCER, SUSCEPTIBILITY TO; BRCA1 Hereditary Breast and Ovarian Cancer. Identifiers: Orphanet 145, MedGen C2676676, MONDO:0011450, OMIM 604370. Disease mechanism: loss of function.

Submissions (12):

Evidence-based Network for the Interpretation of Germline Mutant Alleles (ENIGMA)
Classification: Pathogenic for Breast-ovarian cancer, familial, susceptibility to, 1. Last evaluated: 2016-04-22. Review status: reviewed by expert panel. Criteria: ENIGMA BRCA1/2 Classification Criteria (2015). Collection method: curation. Allele origin: germline.
Comment: Variant allele predicted to encode a truncated non-functional protein.

Labcorp Genetics (formerly Invitae), Labcorp
Classification: Pathogenic for Hereditary breast ovarian cancer syndrome. Last evaluated: 2026-01-09. Review status: criteria provided, single submitter. Criteria: Invitae Variant Classification Sherloc (09022015). Collection method: clinical testing. Allele origin: germline. Not counted in ClinVar's aggregate classification.
Comment: This sequence change creates a premature translational stop signal (p.Leu1086Aspfs*2) in the BRCA1 gene. It is expected to result in an absent or disrupted protein product. Loss-of-function variants in BRCA1 are known to be pathogenic (PMID: 20104584). This variant is not present in population databases (gnomAD no frequency). This premature translational stop signal has been observed in individual(s) with ovarian cancer (PMID: 11179017). This variant is also known as 3375insGA. ClinVar contains an entry for this variant (Variation ID: 54806). For these reasons, this variant has been classified as Pathogenic.

Quest Diagnostics Nichols Institute San Juan Capistrano
Classification: Pathogenic. Last evaluated: 2024-12-20. Review status: criteria provided, single submitter. Criteria: Quest Diagnostics criteria. Collection method: clinical testing. Allele origin: unknown. Not counted in ClinVar's aggregate classification.
Comment: The BRCA1 c.3254_3255dup (p.Leu1086Aspfs*2) variant alters the translational reading frame of the BRCA1 mRNA and causes the premature termination of BRCA1 protein synthesis. This variant has been reported in the published literature in in multiple individuals with breast and/or ovarian cancer (PMID: 11179017 (2001), 24728189 (2014), 28087643 (2017), 32885271 (2021), 34157791 (2021), 35902772 (2022)). This variant has not been reported in large, multi-ethnic general populations (Genome Aggregation Database). Based on the available information, this variant is classified as pathogenic.

Ambry Genetics
Classification: Pathogenic for Hereditary cancer-predisposing syndrome. Last evaluated: 2024-04-10. Review status: criteria provided, single submitter. Criteria: Ambry Variant Classification Scheme 2023. Collection method: clinical testing. Allele origin: germline. Not counted in ClinVar's aggregate classification.
Comment: The c.3254_3255dupGA pathogenic mutation, located in coding exon 9 of the BRCA1 gene, results from a duplication of GA at nucleotide position 3254, causing a translational frameshift with a predicted alternate stop codon (p.L1086Dfs*2). This mutation has been previously reported in multiple individuals with ovarian cancer (Risch HA et al. Am. J. Hum. Genet. 2001 Mar; 68(3):700-10; Song H et al. Hum. Mol. Genet. 2014 Sep; 23(17):4703-9). Of note, this alteration is also designated as 3374insGA in published literature. In addition to the clinical data presented in the literature, this alteration is expected to result in loss of function by premature protein truncation or nonsense-mediated mRNA decay. As such, this alteration is interpreted as a disease-causing mutation.

GeneDx
Classification: Pathogenic. Last evaluated: 2023-08-24. Review status: criteria provided, single submitter. Criteria: GeneDx Variant Classification Process June 2021. Collection method: clinical testing. Allele origin: germline. Affected: yes. Not counted in ClinVar's aggregate classification.
Comment: Frameshift variant predicted to result in protein truncation or nonsense mediated decay in a gene for which loss of function is a known mechanism of disease; Observed in individuals with ovarian cancer in published literature (Risch et al., 2001; Song et al., 2014; Lerner-Ellis et al., 2021); Truncating variants in this gene are considered pathogenic by a well-established clinical consortium and/or database; Not observed at significant frequency in large population cohorts (gnomAD); Also known as 3375insGA and 3373_3374dup; This variant is associated with the following publications: (PMID: 11179017, 20104584, 31897316, 24728189, 32885271)

Baylor Genetics
Classification: Pathogenic for Breast-ovarian cancer, familial, susceptibility to, 1. Last evaluated: 2021-11-25. Review status: criteria provided, single submitter. Criteria: ACMG Guidelines, 2015. Collection method: clinical testing. Allele origin: unknown. Not counted in ClinVar's aggregate classification.

Color Diagnostics, LLC DBA Color Health
Classification: Pathogenic for Hereditary cancer-predisposing syndrome. Last evaluated: 2020-05-06. Review status: criteria provided, single submitter. Criteria: ACMG Guidelines, 2015. Collection method: clinical testing. Allele origin: germline. Not counted in ClinVar's aggregate classification.
Comment: This variant inserts 2 nucleotides in exon 10 of the BRCA1 gene, creating a frameshift and premature translation stop signal. This variant is expected to result in an absent or non-functional protein product. This variant has been reported in an individual affected with ovarian cancer (PMID: 24728189). This variant has not been identified in the general population by the Genome Aggregation Database (gnomAD). Loss of BRCA1 function is a known mechanism of disease. Based on the available evidence, this variant is classified as Pathogenic.

Consortium of Investigators of Modifiers of BRCA1/2 (CIMBA), c/o University of Cambridge
Classification: Pathogenic for Breast-ovarian cancer, familial, susceptibility to, 1. Last evaluated: 2015-10-02. Review status: criteria provided, single submitter. Criteria: CIMBA Mutation Classification guidelines May 2016. Collection method: clinical testing. Allele origin: germline. Not counted in ClinVar's aggregate classification.

Department of Pathology and Laboratory Medicine, Sinai Health System
Classification: Pathogenic for Hereditary breast ovarian cancer syndrome. Review status: criteria provided, single submitter. Criteria: ACMG Guidelines, 2015. Collection method: clinical testing. Allele origin: germline. Affected: yes. Study: The Canadian Open Genetics Repository (COGR). Not counted in ClinVar's aggregate classification.

Research Molecular Genetics Laboratory, Women's College Hospital, University of Toronto
Classification: Pathogenic for Hereditary breast ovarian cancer syndrome. Last evaluated: 2014-01-31. Review status: no assertion criteria provided. Collection method: research. Allele origin: germline. Affected: yes. Study: The Canadian Open Genetics Repository (COGR). Not counted in ClinVar's aggregate classification.

Sharing Clinical Reports Project (SCRP)
Classification: Pathogenic for Breast-ovarian cancer, familial 1. Last evaluated: 2010-07-26. Review status: no assertion criteria provided. Collection method: clinical testing. Allele origin: germline. Not counted in ClinVar's aggregate classification.

Breast Cancer Information Core (BIC) (BRCA1)
Classification: Pathogenic for Breast-ovarian cancer, familial 1. Last evaluated: 2002-05-29. Review status: no assertion criteria provided. Collection method: clinical testing. Allele origin: germline. Affected: yes. Observed: 5 variant alleles. Not counted in ClinVar's aggregate classification.

Literature cited by the submitters: PubMed 20104584 (cited by Labcorp Genetics (formerly Invitae), Labcorp); PubMed 11179017 (cited by 3 submitters); PubMed 24728189 (cited by Quest Diagnostics Nichols Institute San Juan Capistrano and Ambry Genetics); PubMed 32885271 (cited by Quest Diagnostics Nichols Institute San Juan Capistrano); PubMed 28087643 (cited by Quest Diagnostics Nichols Institute San Juan Capistrano); PubMed 34157791 (cited by Quest Diagnostics Nichols Institute San Juan Capistrano); PubMed 31897316 (cited by Quest Diagnostics Nichols Institute San Juan Capistrano); PubMed 32483276 (cited by Quest Diagnostics Nichols Institute San Juan Capistrano); PubMed 35902772 (cited by Quest Diagnostics Nichols Institute San Juan Capistrano); PubMed 16267036 (cited by Ambry Genetics).